The following is an entry in ClinVar:

NM_006516.4(SLC2A1):c.656dup (p.Asn219fs)

Gene: SLC2A1 (solute carrier family 2 member 1; minus strand). Cytogenetic location: 1p34.2.
Variant type: Duplication.
Coding change: c.656dup on transcript NM_006516.4 (MANE Select); coding-DNA position 656, one base duplicated (A; older notation c.656dupA).
Protein change: p.Asn219fs; shifts the reading frame from asparagine 219.
Molecular consequence: frameshift variant.
Genome position (GRCh38, 1-based): chr1:42,929,896, T duplicated on the plus strand (A on the coding strand, the reverse complement: SLC2A1 is on the minus strand); the first of 2 consecutive T bases (chr1:42,929,896-42,929,897); duplicating either gives the same sequence. VCF-style (leftmost placement, unchanged base first): chr1-42929895-G-GT. GRCh37 (hg19) VCF-style: chr1-43395566-G-GT.
Other names: short protein forms N219fs.
Identifiers: ClinVar variation 1454774 (VCV001454774.6), dbSNP rs2124449259, ClinGen allele CA2573132301.

ClinVar aggregate classification (germline): Pathogenic (1 of 4 stars; one submission).

Conditions:
GLUT1 deficiency syndrome 1, autosomal recessive. Identifiers: MedGen C3149117.

Submission:

Labcorp Genetics (formerly Invitae), Labcorp
Classification: Pathogenic for GLUT1 deficiency syndrome 1, autosomal recessive. Last evaluated: 2023-10-22. Review status: criteria provided, single submitter. Criteria: Invitae Variant Classification Sherloc (09022015). Collection method: clinical testing. Allele origin: germline.
Comment: This sequence change creates a premature translational stop signal (p.Asn219Lysfs*18) in the SLC2A1 gene. It is expected to result in an absent or disrupted protein product. Loss-of-function variants in SLC2A1 are known to be pathogenic (PMID: 21832227, 26193382). This variant is not present in population databases (gnomAD no frequency). This variant has not been reported in the literature in individuals affected with SLC2A1-related conditions. ClinVar contains an entry for this variant (Variation ID: 1454774). For these reasons, this variant has been classified as Pathogenic.

Literature cited by the submitters: PubMed 21832227; PubMed 26193382.